The following is an entry in ClinVar:

NM_000321.3(RB1):c.177A>T (p.Ala59=)

Gene: RB1 (RB transcriptional corepressor 1; plus strand). Cytogenetic location: 13q14.2.
Variant type: single nucleotide variant.
Coding change: c.177A>T on transcript NM_000321.3 (MANE Select); coding-DNA position 177, A replaced by T.
Protein change: p.Ala59=; no amino-acid change (alanine 59 retained).
Molecular consequence: synonymous variant.
Genome position (GRCh38, 1-based): chr13:48,307,319, A>T. VCF-style: chr13-48307319-A-T. GRCh37 (hg19) VCF-style: chr13-48881455-A-T.
Identifiers: ClinVar variation 779070 (VCV000779070.14), dbSNP rs189574280, ClinGen allele CA032534.

ClinVar aggregate classification (germline): Likely benign. Review status: criteria provided, multiple submitters, no conflicts (2 of 4 stars). 3 submissions from 3 submitters: Likely benign (3). Last evaluated 2025-12-29.

Conditions:
Retinoblastoma (RB1). Also called: RETINOBLASTOMA, SOMATIC. Identifiers: Orphanet 790, MedGen C0035335, MeSH D012175, MONDO:0008380, OMIM 180200, HP:0009919. Disease mechanism: loss of function. Inheritance: Both sporadic and heritable forms are tested..
Hereditary cancer-predisposing syndrome. Also called: Neoplastic Syndromes, Hereditary; Hereditary Cancer Syndrome; Tumor predisposition; Hereditary neoplastic syndrome. Identifiers: Orphanet 140162, MedGen C0027672, MeSH D009386, MONDO:0015356.

Allele frequency attached by ClinVar (database versions not stated): gnomAD 0.00001; gnomAD exomes 0.00001; TOPMed 0.00001; ExAC 0.00002; 1000 Genomes Project 0.00020; 1000 Genomes Project 30x 0.00031.
gnomAD v4.1: 10 of 1,610,138 alleles (0.00062%); highest among the groups gnomAD compares: Admixed American, 0.0067%; no homozygotes.

Submissions (3):

Labcorp Genetics (formerly Invitae), Labcorp
Classification: Likely benign for Retinoblastoma. Last evaluated: 2025-12-29. Review status: criteria provided, single submitter. Criteria: Invitae Variant Classification Sherloc (09022015). Collection method: clinical testing. Allele origin: germline.

All of Us Research Program, National Institutes of Health
Classification: Likely benign for Retinoblastoma. Last evaluated: 2023-10-02. Review status: criteria provided, single submitter. Criteria: ACMG Guidelines, 2015. Collection method: clinical testing. Allele origin: germline. Inheritance: Autosomal dominant inheritance. Observed: 3 variant alleles, 3 heterozygotes.
Comment: This study involves interpretation of variants in research participants for the purpose of population health screening. Participant phenotype was not available at the time of variant classification. Additional details can be found in publication PMID: 35346344, PMCID: PMC8962531

Ambry Genetics
Classification: Likely benign for Hereditary cancer-predisposing syndrome. Last evaluated: 2022-07-24. Review status: criteria provided, single submitter. Criteria: Ambry Variant Classification Scheme 2023. Collection method: clinical testing. Allele origin: germline.